The following is an entry in ClinVar:

ClinVar aggregate classification (germline): Likely benign (1 of 4 stars; one submission).

Allele frequency attached by ClinVar (database versions not stated): ExAC 0.00021; gnomAD 0.00025; TOPMed 0.00026; ESP Exome Variant Server 0.00038; gnomAD exomes 0.00060.
gnomAD v4.1: 887 of 1,613,520 alleles (0.055%); highest among the groups gnomAD compares: Non-Finnish European, 0.073%; 1 homozygote.

Submission:

CeGaT Center for Human Genetics Tuebingen
Classification: Likely benign. Last evaluated: 2023-02-01. Review status: criteria provided, single submitter. Criteria: CeGaT Center For Human Genetics Tuebingen Variant Classification Criteria Version 2. Collection method: clinical testing. Allele origin: germline. Affected: yes. Observed: 1 variant allele.
Comment: RALGAPA1: BP4, BP7

NM_001346249.2(RALGAPA1):c.2238G>A (p.Ala746=)

Gene: RALGAPA1 (Ral GTPase activating protein catalytic subunit alpha 1; minus strand). Cytogenetic location: 14q13.2.
Variant type: single nucleotide variant.
Coding change: c.2238G>A on transcript NM_001346249.2 (MANE Select); coding-DNA position 2238, G replaced by A.
Protein change: p.Ala746=; no amino-acid change (alanine 746 retained).
Molecular consequence: synonymous variant.
Genome position (GRCh38, 1-based): chr14:35,721,716, C>T on the plus strand (G>A on the coding strand, the complement: RALGAPA1 is on the minus strand). VCF-style: chr14-35721716-C-T. GRCh37 (hg19) VCF-style: chr14-36190922-C-T.
Other names: c.2238G>A, p.Ala746= (NM_001283043.3, NM_001283044.3, NM_001330075.3 and 7 more transcripts).
Identifiers: ClinVar variation 2644174 (VCV002644174.24), dbSNP rs145761488, ClinGen allele CA7156900.